The following is an entry in ClinVar:

NM_002230.4(JUP):c.389TCA[1] (p.Ile131del)

Gene: JUP (junction plakoglobin; minus strand). Cytogenetic location: 17q21.2.
Variant type: Microsatellite.
Coding change: c.389TCA[1] on transcript NM_002230.4 (MANE Select); one copy of the 3-base unit TCA starting at c.389; the reference has two copies in a row; one copy, 3 bases deleted; also written c.392_394del.
Protein change: p.Ile131del; deletes isoleucine 131.
Molecular consequence: inframe deletion.
Genome position (GRCh38, 1-based): chr17:41,769,492-41,769,494, TGA deleted on the plus strand (TCA on the coding strand, the reverse complement: JUP is on the minus strand); deleting any 3 consecutive bases within chr17:41,769,492-41,769,497 gives the same sequence; the position shown is the placement nearest the transcript's 3' end. VCF-style (leftmost placement, unchanged base first): chr17-41769491-TTGA-T. GRCh37 (hg19) VCF-style: chr17-39925743-TTGA-T.
Other names: c.389TCA[1], p.Ile131del (NM_001352773.2, NM_001352774.2, NM_001352775.2 and 3 more transcripts); c.392_394del (NM_002230.2, NM_002230.4); c.392_394delTCA (NM_002230.2); short protein forms I131del.
Identifiers: ClinVar variation 402991 (VCV000402991.19), dbSNP rs781818082, ClinGen allele CA16609792.

ClinVar aggregate classification (germline): Uncertain significance. Review status: criteria provided, multiple submitters, no conflicts (2 of 4 stars). 7 submissions from 7 submitters: Uncertain significance (7). Last evaluated 2025-07-03.

Conditions:
Cardiovascular phenotype. Identifiers: MedGen CN230736.
Naxos disease (NXD). Also called: WOOLLY HAIR, PALMOPLANTAR KERATODERMA, AND CARDIAC ABNORMALITIES; KERATOSIS PALMOPLANTARIS WITH ARRHYTHMOGENIC CARDIOMYOPATHY; MAL DE NAXOS; PALMOPLANTAR KERATODERMA WITH ARRHYTHMOGENIC RIGHT VENTRICULAR CARDIOMYOPATHY AND WOOLLY HAIR; CARDIOMYOPATHY, ARRHYTHMOGENIC RIGHT VENTRICULAR, WITH SKIN, HAIR, AND NAIL ABNORMALITIES. Identifiers: Orphanet 34217, MedGen C1832600, MONDO:0011017, OMIM 601214.
Arrhythmogenic right ventricular dysplasia 12. Also called: ARRHYTHMOGENIC RIGHT VENTRICULAR DYSPLASIA, FAMILIAL, 12. Identifiers: MedGen C1969081, MONDO:0012684, OMIM 611528.

Submissions (7):

GeneDx
Classification: Uncertain significance. Last evaluated: 2025-07-03. Review status: criteria provided, single submitter. Criteria: GeneDx Variant Classification Process June 2021. Collection method: clinical testing. Allele origin: germline. Affected: yes.
Comment: Has been reported in a patient with ARVC who also carried a second PKP2 variant, as well as a variant in the PKP4 gene (PMID: 20152563); Not observed at significant frequency in large population cohorts (gnomAD); In-frame deletion of 1 amino acid in a non-repeat region; In silico analysis supports a deleterious effect on protein structure/function; This variant is associated with the following publications: (PMID: 31402444, 20152563)

Labcorp Genetics (formerly Invitae), Labcorp
Classification: Uncertain significance for Arrhythmogenic right ventricular dysplasia 12; Naxos disease. Last evaluated: 2025-01-28. Review status: criteria provided, single submitter. Criteria: Invitae Variant Classification Sherloc (09022015). Collection method: clinical testing. Allele origin: germline.
Comment: This variant, c.392_394del, results in the deletion of 1 amino acid(s) of the JUP protein (p.Ile131del), but otherwise preserves the integrity of the reading frame. This variant is present in population databases (rs781818082, gnomAD 0.0009%). This variant has been observed in individual(s) with arrhythmogenic right ventricular cardiomyopathy (PMID: 20152563). Experimental studies and prediction algorithms are not available or were not evaluated, and the functional significance of this variant is currently unknown. In summary, the available evidence is currently insufficient to determine the role of this variant in disease. Therefore, it has been classified as a Variant of Uncertain Significance.

Ambry Genetics
Classification: Uncertain significance for Cardiovascular phenotype. Last evaluated: 2024-03-18. Review status: criteria provided, single submitter. Criteria: Ambry Variant Classification Scheme 2023. Collection method: clinical testing. Allele origin: germline.
Comment: The c.392_394delTCA variant (also known as p.I131del) is located in coding exon 2 of the JUP gene. This variant results from an in-frame TCA deletion at nucleotide positions 392 to 394. This results in the in-frame deletion of an isoleucine at codon 131. This variant has been reported in an arrhythmogenic right ventricular cardiomyopathy cohort, but clinical details were limited (Xu T et al, J. Am. Coll. Cardiol. 2010 Feb; 55(6):587-97). This amino acid position is highly conserved in available vertebrate species. In addition, this alteration is predicted to be deleterious by in silico analysis (Choi Y et al. PLoS ONE. 2012; 7(10):e46688). Based on the available evidence, the clinical significance of this alteration remains unclear.

New York Genome Center
Classification: Uncertain significance for Arrhythmogenic right ventricular dysplasia 12; Naxos disease. Last evaluated: 2022-09-12. Review status: criteria provided, single submitter. Criteria: NYGC Assertion Criteria 2020. Collection method: clinical testing. Allele origin: germline. Observed: 1 heterozygote.
Comment: The c.392_394del variant identified in the JUP gene is predicted to result in deletion of one amino acid [p.(Ile131del)] without causing a shift in the reading frame (in-frame deletion). This variant is observed in 12 individuals across population databases (gnomAD v2.1.1 and v3.1.2, TOPMed Freeze 8) suggesting it is not a common benign variant in the populations represented in those databases. This variant has been identified in one individual affected with arrhythmogenic right ventricular cardiomyopathy [PMID: 20152563], and has also been reported four times in ClinVar as a Variant of Uncertain Significance (ClinVarID:402991). In silico predictions are not available for this variant. Based on the available evidence, the c.392_394del p.(Ile131del) variant identified in the JUP gene is reported as a Variant of Uncertain Significance.

Fulgent Genetics
Classification: Uncertain significance for Naxos disease; Arrhythmogenic right ventricular dysplasia 12. Last evaluated: 2021-07-29. Review status: criteria provided, single submitter. Criteria: ACMG Guidelines, 2015. Collection method: clinical testing. Allele origin: unknown.

Stanford Center for Inherited Cardiovascular Disease, Stanford University
Classification: Uncertain significance. Last evaluated: 2017-11-01. Review status: criteria provided, single submitter. Criteria: ACMG Guidelines, 2015. Collection method: provider interpretation. Allele origin: germline.

Laboratory for Molecular Medicine, Mass General Brigham Personalized Medicine
Classification: Uncertain significance. Last evaluated: 2016-10-20. Review status: criteria provided, single submitter. Criteria: LMM Criteria. Collection method: clinical testing. Allele origin: germline.
Comment: Variant identified in a genome or exome case(s) and assessed due to predicted null impact of the variant or pathogenic assertions in the literature or databases. Disclaimer: This variant has not undergone full assessment. The following are preliminary notes: Reported in 1 proband with ARVC (PMID 20152563)

Literature cited by the submitters: PubMed 20152563 (cited by Labcorp Genetics (formerly Invitae), Labcorp and Ambry Genetics).